The following is an entry in ClinVar:

ClinVar aggregate classification (germline): Benign/Likely benign. Review status: criteria provided, multiple submitters, no conflicts (2 of 4 stars). 4 submissions from 4 submitters: Benign (2); Likely benign (1). 1 of the submissions does not count toward it. Last evaluated 2026-02-01.

Conditions:
STING1-related disorder. Also called: STING1-related condition.
Autoinflammatory syndrome. Identifiers: Orphanet 93665, MedGen C3890737, MONDO:0019751.
STING-associated vasculopathy with onset in infancy. Also called: Sting-associated vasculopathy, infantile-onset. Identifiers: Orphanet 425120, MedGen C4014722, MONDO:0014405, OMIM 615934.

Allele frequency attached by ClinVar (database versions not stated): gnomAD 0.00080; ESP Exome Variant Server 0.00085; TOPMed 0.00177; gnomAD exomes 0.00339; ExAC 0.00398; 1000 Genomes Project 30x 0.00437; 1000 Genomes Project 0.00499.
gnomAD v4.1: 3,189 of 1,609,638 alleles (0.2%); highest among the groups gnomAD compares: South Asian, 2.1%; 38 homozygotes.

Submissions (4):

Labcorp Genetics (formerly Invitae), Labcorp
Classification: Benign for STING-associated vasculopathy with onset in infancy. Last evaluated: 2026-02-01. Review status: criteria provided, single submitter. Criteria: Invitae Variant Classification Sherloc (09022015). Collection method: clinical testing. Allele origin: germline.

Blueprint Genetics
Classification: Likely benign. Last evaluated: 2024-11-20. Review status: criteria provided, single submitter. Criteria: ACMG Guidelines, 2015. Collection method: clinical testing. Allele origin: germline.

Genome Diagnostics Laboratory, The Hospital for Sick Children
Classification: Benign for Autoinflammatory syndrome. Last evaluated: 2021-06-11. Review status: criteria provided, single submitter. Criteria: ACMG Guidelines, 2015. Collection method: clinical testing. Allele origin: germline. Affected: yes.

PreventionGenetics, part of Exact Sciences
Classification: Benign for STING1-related condition. Last evaluated: 2024-01-28. Review status: no assertion criteria provided. Collection method: clinical testing. Allele origin: germline. Not counted in ClinVar's aggregate classification.
Comment: This variant is classified as benign based on ACMG/AMP sequence variant interpretation guidelines (Richards et al. 2015 PMID: 25741868, with internal and published modifications).

NM_198282.4(STING1):c.33G>A (p.Pro11=)

Gene: STING1 (stimulator of interferon response cGAMP interactor 1; minus strand). Cytogenetic location: 5q31.2.
Variant type: single nucleotide variant.
Coding change: c.33G>A on transcript NM_198282.4 (MANE Select); coding-DNA position 33, G replaced by A.
Protein change: p.Pro11=; no amino-acid change (proline 11 retained).
Molecular consequence: synonymous variant. On other transcripts: intron variant (1).
Genome position (GRCh38, 1-based): chr5:139,481,672, C>T on the plus strand (G>A on the coding strand, the complement: STING1 is on the minus strand). VCF-style: chr5-139481672-C-T. GRCh37 (hg19) VCF-style: chr5-138861257-C-T.
Other names: c.33G>A, p.Pro11= (LRG_1308t1, NM_001301738.2); c.-130-330G>A (NM_001367258.1).
Identifiers: ClinVar variation 541981 (VCV000541981.18), dbSNP rs149842998, ClinGen allele CA3435514.
Genomic context (GRCh38, chr5:139,481,672, plus strand): 5'-CACCAGGCAGGCACTCAGCAGAACCAAGGCTGCCTTCTGGGCCCCGTGACCCCTGGGACA[C>T]GGGATGGATGGATGCAGGCTGGAGTGGGGCATCTGTGGGCACCAAGAAATCCATGACCAT-3'
Protein context (NP_938023.1, residues 1-21): MPHSSLHPSI[Pro11=]CPRGHGAQKA